The following is an entry in ClinVar:

NM_000489.6(ATRX):c.2293T>C (p.Tyr765His)

Gene: ATRX (ATRX chromatin remodeler; minus strand). Cytogenetic location: Xq21.1.
Variant type: single nucleotide variant.
Coding change: c.2293T>C on transcript NM_000489.6 (MANE Select); coding-DNA position 2293, T replaced by C.
Protein change: p.Tyr765His; replaces tyrosine 765 with histidine.
Molecular consequence: missense variant.
Genome position (GRCh38, 1-based): chrX:77,682,963, A>G on the plus strand (T>C on the coding strand, the complement: ATRX is on the minus strand). VCF-style: chrX-77682963-A-G. GRCh37 (hg19) VCF-style: chrX-76938455-A-G.
Other names: c.2179T>C, p.Tyr727His (NM_138270.5); c.2293T>C (NM_000489.4); short protein forms Y765H, Y727H.
Identifiers: ClinVar variation 1424702 (VCV001424702.10), dbSNP rs2071326352, ClinGen allele CA413712744.

ClinVar aggregate classification (germline): Uncertain significance. Review status: criteria provided, single submitter (1 of 4 stars). 2 submissions from 2 submitters: Uncertain significance (1). 1 of the submissions does not count toward it. Last evaluated 2022-12-05.

Conditions:
ATRX-related disorder. Also called: ATRX-related condition.
Alpha thalassemia-X-linked intellectual disability syndrome (ATRX). Also called: ATR-X syndrome; Alpha thalassemia mental retardation syndrome, nondeletion type, X-linked; XLMR hypotonic face syndrome; X-linked alpha-thalassemia-mental retardation syndrome; ALPHA-THALASSEMIA/IMPAIRED INTELLECTUAL DEVELOPMENT SYNDROME, X-LINKED; ALPHA-THALASSEMIA/MENTAL RETARDATION SYNDROME, X-LINKED. Identifiers: Orphanet 847, MedGen C1845055, MONDO:0010519, OMIM 301040.

gnomAD v4.1: 1 of 1,210,647 alleles (0.000083%); no homozygotes.

Submissions (2):

Labcorp Genetics (formerly Invitae), Labcorp
Classification: Uncertain significance for Alpha thalassemia-X-linked intellectual disability syndrome. Last evaluated: 2022-12-05. Review status: criteria provided, single submitter. Criteria: Invitae Variant Classification Sherloc (09022015). Collection method: clinical testing. Allele origin: germline.
Comment: This sequence change replaces tyrosine, which is neutral and polar, with histidine, which is basic and polar, at codon 765 of the ATRX protein (p.Tyr765His). This variant is not present in population databases (gnomAD no frequency). This variant has not been reported in the literature in individuals affected with ATRX-related conditions. ClinVar contains an entry for this variant (Variation ID: 1424702). Advanced modeling of protein sequence and biophysical properties (such as structural, functional, and spatial information, amino acid conservation, physicochemical variation, residue mobility, and thermodynamic stability) performed at Invitae indicates that this missense variant is not expected to disrupt ATRX protein function. In summary, the available evidence is currently insufficient to determine the role of this variant in disease. Therefore, it has been classified as a Variant of Uncertain Significance.

PreventionGenetics, part of Exact Sciences
Classification: Uncertain significance for ATRX-related condition. Last evaluated: 2024-02-09. Review status: no assertion criteria provided. Collection method: clinical testing. Allele origin: germline. Not counted in ClinVar's aggregate classification.
Comment: The ATRX c.2293T>C variant is predicted to result in the amino acid substitution p.Tyr765His. To our knowledge, this variant has not been reported in the literature or in gnomAD v2; however, it has been observed in one female (XX) from over 300,000 individuals tested for the X chromosome in gnomAD v4, indicating this variant is rare. This variant is currently classified as a variant of uncertain significance in ClinVar. At this time, the clinical significance of this variant is uncertain due to the absence of conclusive functional and genetic evidence.